The following is an entry in ClinVar:

NM_014244.5(ADAMTS2):c.42_43insACTCAGCA (p.Ala15fs)

Gene: ADAMTS2 (ADAM metallopeptidase with thrombospondin type 1 motif 2; minus strand). Cytogenetic location: 5q35.3.
Variant type: Insertion.
Coding change: c.42_43insACTCAGCA on transcript NM_014244.5 (MANE Select); coding-DNA positions 42 to 43, ACTCAGCA inserted.
Protein change: p.Ala15fs; shifts the reading frame from alanine 15.
Molecular consequence: frameshift variant.
Genome position: GRCh38 VCF-style: chr5-179345286-C-CTGCTGAGT. GRCh37 (hg19) VCF-style: chr5-178772287-C-CTGCTGAGT.
Other names: c.42_43insACTCAGCA, p.Ala15fs (NM_021599.4); short protein forms A15fs.
Identifiers: ClinVar variation 5011184 (VCV005011184.1).
Genomic context (GRCh38, chr5:179,345,286, plus strand): 5'-CGGGCGGCGGCGGCGGCGGCAGGAGCGGCGGCGGCAGCAGCAGCAGCAGCAGCAGCAGCG[C>CTGCTGAGT]GGGGCAGAGCAGGCGGCGAGCGGCTCCCGCCGGCGGATCCATGGCAGCCGGACTGCAGCC-3'

ClinVar aggregate classification (germline): Pathogenic (1 of 4 stars; one submission).

Conditions:
Ehlers-Danlos syndrome, dermatosparaxis type. Also called: EDS VIIC; Dermatosparaxis; Ehlers-Danlos syndrome, type VII, autosomal recessive. Identifiers: Orphanet 1901, MedGen C2700425, MONDO:0009161, OMIM 225410.

Submission:

Myriad Genetics, Inc.
Classification: Pathogenic for Ehlers-Danlos syndrome, dermatosparaxis type. Last evaluated: 2024-05-14. Review status: criteria provided, single submitter. Criteria: Myriad Autosomal Dominant, Autosomal Recessive and X-Linked Classification Criteria (2023). Collection method: clinical testing. Allele origin: unknown.
Comment: NM_014244.4(ADAMTS2):c.42_43ins8(A15Tfs*153) is expected to be pathogenic in the context of Ehlers-Danlos syndrome, ADAMTS2-related. This variant is predicted to lead to an abnormal or absent protein product due to the creation of a premature termination codon in ADAMTS2, a gene where loss-of-function variants are known to be pathogenic. Please note: this variant was assessed in the context of healthy population screening.